The following is an entry in ClinVar:

ClinVar aggregate classification (germline): Uncertain significance (1 of 4 stars; one submission).

Conditions:
Familial adenomatous polyposis 1 (FAP1). Also called: FAMILIAL ADENOMATOUS POLYPOSIS 1, ATTENUATED; POLYPOSIS, ADENOMATOUS INTESTINAL. Identifiers: MedGen C2713442, MONDO:0021056, OMIM 175100. Disease mechanism: loss of function.

Submission:

Labcorp Genetics (formerly Invitae), Labcorp
Classification: Uncertain significance for Familial adenomatous polyposis 1. Last evaluated: 2023-07-13. Review status: criteria provided, single submitter. Criteria: Invitae Variant Classification Sherloc (09022015). Collection method: clinical testing. Allele origin: germline.
Comment: In summary, the available evidence is currently insufficient to determine the role of this variant in disease. Therefore, it has been classified as a Variant of Uncertain Significance. Experimental studies and prediction algorithms are not available or were not evaluated, and the functional significance of this variant is currently unknown. This variant has not been reported in the literature in individuals affected with APC-related conditions. This variant is present in population databases (no rsID available, gnomAD 0.004%). This variant occurs in a non-coding region of the APC gene. It does not change the encoded amino acid sequence of the APC protein.

NM_001127511.3(APC):c.-2del

Gene: APC (APC regulator of Wnt signaling pathway; plus strand). Cytogenetic location: 5q22.2.
Variant type: Deletion.
Coding change: c.-2del on transcript NM_001127511.3; 2 bases upstream of the start codon, one base deleted (C; older notation c.-2delC).
Molecular consequence: 5 prime UTR variant. On other transcripts: non-coding transcript variant (1), intron variant (5).
Genome position (GRCh38, 1-based): chr5:112,707,716, C deleted; the last of 5 consecutive C bases (chr5:112,707,712-112,707,716); deleting any one gives the same sequence. VCF-style (leftmost placement, unchanged base first): chr5-112707711-GC-G. GRCh37 (hg19) VCF-style: chr5-112043408-GC-G.
Other names: c.-185del (NM_001354895.2, NM_001407447.1, NM_001407452.1 and 3 more transcripts); c.-2del (NM_001354897.2, NM_001354902.2, NM_001407446.1); c.-1220del (NM_001407470.1, NM_001407472.1); c.-19+67del (NM_001407448.1, NM_001407450.1, NM_001407457.1 and 1 more transcripts); c.-43+67del (NM_001407453.1).
Identifiers: ClinVar variation 1006610 (VCV001006610.8), dbSNP rs1257317812, ClinGen allele CA561890273.